The following is an entry in ClinVar:

ClinVar aggregate classification (germline): Likely benign (0 of 4 stars; one submission).

Conditions:
G6PD-related disorder. Also called: G6PD-related condition.

Allele frequency attached by ClinVar (database versions not stated): gnomAD exomes below 0.00001.
gnomAD v4.1: 5 of 1,212,081 alleles (0.00041%); highest among the groups gnomAD compares: Non-Finnish European, 0.00056%; no homozygotes.

Submission:

PreventionGenetics, part of Exact Sciences
Classification: Likely benign for G6PD-related condition. Last evaluated: 2021-02-23. Review status: no assertion criteria provided. Collection method: clinical testing. Allele origin: germline.
Comment: This variant is classified as likely benign based on ACMG/AMP sequence variant interpretation guidelines (Richards et al. 2015 PMID: 25741868, with internal and published modifications).

NM_001360016.2(G6PD):c.981G>A (p.Thr327=)

Gene: G6PD (glucose-6-phosphate dehydrogenase; minus strand). Cytogenetic location: Xq28.
Variant type: single nucleotide variant.
Coding change: c.981G>A on transcript NM_001360016.2 (MANE Select); coding-DNA position 981, G replaced by A.
Protein change: p.Thr327=; no amino-acid change (threonine 327 retained).
Molecular consequence: synonymous variant.
Genome position (GRCh38, 1-based): chrX:154,533,012, C>T on the plus strand (G>A on the coding strand, the complement: G6PD is on the minus strand). VCF-style: chrX-154533012-C-T. GRCh37 (hg19) VCF-style: chrX-153761227-C-T.
Other names: c.1071G>A, p.Thr357= (NM_000402.4); c.981G>A, p.Thr327= (NM_001042351.3).
Identifiers: ClinVar variation 3032932 (VCV003032932.2), dbSNP rs782593777, ClinGen allele CA337316624.